The following is an entry in ClinVar:

ClinVar aggregate classification (germline): Uncertain significance. Review status: criteria provided, multiple submitters, no conflicts (2 of 4 stars). 2 submissions from 2 submitters: Uncertain significance (2). Last evaluated 2025-05-16.

Allele frequency attached by ClinVar (database versions not stated): gnomAD exomes 0.00001; TOPMed 0.00001.
gnomAD v4.1: 8 of 1,614,126 alleles (0.0005%); highest among the groups gnomAD compares: Middle Eastern, 0.017%; no homozygotes.

Submissions (2):

Labcorp Genetics (formerly Invitae), Labcorp
Classification: Uncertain significance. Last evaluated: 2025-05-16. Review status: criteria provided, single submitter. Criteria: Invitae Variant Classification Sherloc (09022015). Collection method: clinical testing. Allele origin: germline.
Comment: This sequence change replaces glycine, which is neutral and non-polar, with serine, which is neutral and polar, at codon 1205 of the ADGRA3 protein (p.Gly1205Ser). This variant is not present in population databases (gnomAD no frequency). This variant has not been reported in the literature in individuals affected with ADGRA3-related conditions. ClinVar contains an entry for this variant (Variation ID: 1510491). An algorithm developed to predict the effect of missense changes on protein structure and function (PolyPhen-2) suggests that this variant is likely to be tolerated. In summary, the available evidence is currently insufficient to determine the role of this variant in disease. Therefore, it has been classified as a Variant of Uncertain Significance.

Ambry Genetics
Classification: Uncertain significance. Last evaluated: 2022-09-22. Review status: criteria provided, single submitter. Criteria: Ambry Variant Classification Scheme 2023. Collection method: clinical testing. Allele origin: germline.

NM_145290.4(ADGRA3):c.3613G>A (p.Gly1205Ser)

Gene: ADGRA3 (adhesion G protein-coupled receptor A3; minus strand). Cytogenetic location: 4p15.2.
Variant type: single nucleotide variant.
Coding change: c.3613G>A on transcript NM_145290.4 (MANE Select); coding-DNA position 3613, G replaced by A.
Protein change: p.Gly1205Ser; replaces glycine 1205 with serine.
Molecular consequence: missense variant.
Genome position (GRCh38, 1-based): chr4:22,388,058, C>T on the plus strand (G>A on the coding strand, the complement: ADGRA3 is on the minus strand). VCF-style: chr4-22388058-C-T. GRCh37 (hg19) VCF-style: chr4-22389681-C-T.
Other names: c.3613G>A (NM_145290.2); short protein forms G1205S.
Identifiers: ClinVar variation 1510491 (VCV001510491.7), dbSNP rs1713919341, ClinGen allele CA356472062.